The following is an entry in ClinVar:

NM_033026.6(PCLO):c.4547G>T (p.Ser1516Ile)

Gene: PCLO (piccolo presynaptic cytomatrix protein; minus strand). Cytogenetic location: 7q21.11.
Variant type: single nucleotide variant.
Coding change: c.4547G>T on transcript NM_033026.6 (MANE Select); coding-DNA position 4547, G replaced by T.
Protein change: p.Ser1516Ile; replaces serine 1516 with isoleucine.
Molecular consequence: missense variant.
Genome position (GRCh38, 1-based): chr7:82,956,406, C>A on the plus strand (G>T on the coding strand, the complement: PCLO is on the minus strand). VCF-style: chr7-82956406-C-A. GRCh37 (hg19) VCF-style: chr7-82585722-C-A.
Other names: c.4547G>T, p.Ser1516Ile (NM_014510.3); short protein forms S1516I.
Identifiers: ClinVar variation 1475374 (VCV001475374.3), dbSNP rs1795521241, ClinGen allele CA367926520.

ClinVar aggregate classification (germline): Uncertain significance (1 of 4 stars; one submission).

Allele frequency attached by ClinVar (database versions not stated): TOPMed 0.00001.

Submission:

Labcorp Genetics (formerly Invitae), Labcorp
Classification: Uncertain significance. Last evaluated: 2022-04-16. Review status: criteria provided, single submitter. Criteria: Invitae Variant Classification Sherloc (09022015). Collection method: clinical testing. Allele origin: germline.
Comment: This sequence change replaces serine, which is neutral and polar, with isoleucine, which is neutral and non-polar, at codon 1516 of the PCLO protein (p.Ser1516Ile). This variant is not present in population databases (gnomAD no frequency). This variant has not been reported in the literature in individuals affected with PCLO-related conditions. Algorithms developed to predict the effect of missense changes on protein structure and function are either unavailable or do not agree on the potential impact of this missense change (SIFT: "Deleterious"; PolyPhen-2: "Not Available"; Align-GVGD: "Class C0"). In summary, the available evidence is currently insufficient to determine the role of this variant in disease. Therefore, it has been classified as a Variant of Uncertain Significance.